The following is an entry in ClinVar:

ClinVar aggregate classification (germline): Uncertain significance (1 of 4 stars; one submission).

Conditions:
Long chain 3-hydroxyacyl-CoA dehydrogenase deficiency. Also called: Deficiency of long-chain 3-hydroxyacyl-coenzyme A dehydrogenase; LCHAD Deficiency. Identifiers: Orphanet 5, MedGen C3711645, MONDO:0012173, OMIM 609016.
Mitochondrial trifunctional protein deficiency. Identifiers: Orphanet 746, MedGen C1969443, MONDO:0012172.

Allele frequency attached by ClinVar (database versions not stated): gnomAD exomes below 0.00001; TOPMed below 0.00001.
gnomAD v4.1: 1 of 1,609,696 alleles (0.000062%); highest among the groups gnomAD compares: African/African-American, 0.0013%; no homozygotes.

Submission:

Labcorp Genetics (formerly Invitae), Labcorp
Classification: Uncertain significance for Mitochondrial trifunctional protein deficiency; Long chain 3-hydroxyacyl-CoA dehydrogenase deficiency. Last evaluated: 2022-10-08. Review status: criteria provided, single submitter. Criteria: Invitae Variant Classification Sherloc (09022015). Collection method: clinical testing. Allele origin: germline.
Comment: This variant is present in population databases (no rsID available, gnomAD 0.007%). In summary, the available evidence is currently insufficient to determine the role of this variant in disease. Therefore, it has been classified as a Variant of Uncertain Significance. Advanced modeling of protein sequence and biophysical properties (such as structural, functional, and spatial information, amino acid conservation, physicochemical variation, residue mobility, and thermodynamic stability) performed at Invitae indicates that this missense variant is not expected to disrupt HADHA protein function. This variant has not been reported in the literature in individuals affected with HADHA-related conditions. This sequence change replaces lysine, which is basic and polar, with arginine, which is basic and polar, at codon 644 of the HADHA protein (p.Lys644Arg).

NM_000182.5(HADHA):c.1931A>G (p.Lys644Arg)

Genes: HADHA (hydroxyacyl-CoA dehydrogenase trifunctional multienzyme complex subunit alpha; minus strand), GAREM2 (GRB2 associated regulator of MAPK1 subtype 2; plus strand). Cytogenetic location: 2p23.3.
Variant type: single nucleotide variant.
Coding change: c.1931A>G on transcript NM_000182.5 (MANE Select); coding-DNA position 1931, A replaced by G.
Protein change: p.Lys644Arg; replaces lysine 644 with arginine.
Molecular consequence: missense variant.
Genome position (GRCh38, 1-based): chr2:26,192,379, T>C on the plus strand (A>G on the coding strand, the complement: HADHA is on the minus strand). VCF-style: chr2-26192379-T-C. GRCh37 (hg19) VCF-style: chr2-26415248-T-C.
Other names: short protein forms K644R.
Identifiers: ClinVar variation 2197301 (VCV002197301.2), dbSNP rs1400256001, ClinGen allele CA346115075.
Genomic context (GRCh38, chr2:26,192,379, plus strand): 5'-TTAGGAGGCAGCTTCAGACTCGCTAAAATACTATCCATGTCAGAATTCAAATCCTTCCTC[T>C]TCACACCCTCCTGATAGATGTAAAAGCCCTTCCCAGATTTACGACCTAAAACAGGCAAGA-3'
Protein context (NP_000173.2, residues 634-654): KGFYIYQEGV[Lys644Arg]RKDLNSDMDS